The following is an entry in ClinVar:

ClinVar aggregate classification (germline): Uncertain significance. Review status: criteria provided, multiple submitters, no conflicts (2 of 4 stars). 2 submissions from 2 submitters: Uncertain significance (2). Last evaluated 2024-11-05.

Conditions:
Bardet-Biedl syndrome (BBS). Identifiers: Orphanet 110, MedGen C0752166, MONDO:0015229.
Bardet-Biedl syndrome 15 (BBS15). Identifiers: Orphanet 110, MedGen C3150127, MONDO:0014443, OMIM 615992.
Heart defect - tongue hamartoma - polysyndactyly syndrome. Also called: Congenital heart defects, hamartomas of tongue, and polysyndactyly. Identifiers: Orphanet 1338, MedGen C1857587, MONDO:0009008, OMIM 217085.

Allele frequency attached by ClinVar (database versions not stated): gnomAD exomes 0.00001.
gnomAD v4.1: 14 of 1,566,960 alleles (0.00089%); highest among the groups gnomAD compares: Non-Finnish European, 0.0012%; no homozygotes.

Submissions (2):

Labcorp Genetics (formerly Invitae), Labcorp
Classification: Uncertain significance for Bardet-Biedl syndrome. Last evaluated: 2024-11-05. Review status: criteria provided, single submitter. Criteria: Invitae Variant Classification Sherloc (09022015). Collection method: clinical testing. Allele origin: germline.
Comment: This sequence change replaces glutamine, which is neutral and polar, with lysine, which is basic and polar, at codon 25 of the WDPCP protein (p.Gln25Lys). This variant is not present in population databases (gnomAD no frequency). This variant has not been reported in the literature in individuals affected with WDPCP-related conditions. ClinVar contains an entry for this variant (Variation ID: 1444457). An algorithm developed to predict the effect of missense changes on protein structure and function (PolyPhen-2) suggests that this variant is likely to be tolerated. In summary, the available evidence is currently insufficient to determine the role of this variant in disease. Therefore, it has been classified as a Variant of Uncertain Significance.

Fulgent Genetics
Classification: Uncertain significance for Heart defect - tongue hamartoma - polysyndactyly syndrome; Bardet-Biedl syndrome 15. Last evaluated: 2024-06-11. Review status: criteria provided, single submitter. Criteria: ACMG Guidelines, 2015. Collection method: clinical testing. Allele origin: germline.

NM_015910.7(WDPCP):c.73C>A (p.Gln25Lys)

Gene: WDPCP (WD repeat containing planar cell polarity effector; minus strand). Cytogenetic location: 2p15.
Variant type: single nucleotide variant.
Coding change: c.73C>A on transcript NM_015910.7 (MANE Select); coding-DNA position 73, C replaced by A.
Protein change: p.Gln25Lys; replaces glutamine 25 with lysine.
Molecular consequence: missense variant. On other transcripts: non-coding transcript variant (2), 5 prime UTR variant (1).
Genome position (GRCh38, 1-based): chr2:63,588,199, G>T on the plus strand (C>A on the coding strand, the complement: WDPCP is on the minus strand). VCF-style: chr2-63588199-G-T. GRCh37 (hg19) VCF-style: chr2-63815333-G-T.
Other names: c.73C>A, p.Gln25Lys (NM_001354045.2); c.-252C>A (NM_001354044.2); short protein forms Q25K.
Identifiers: ClinVar variation 1444457 (VCV001444457.8), dbSNP rs1324126661, ClinGen allele CA347066522.